The following is an entry in ClinVar:

ClinVar aggregate classification (germline): Benign (1 of 4 stars; one submission).

Conditions:
Familial cancer of breast. Also called: BREAST CANCER, FAMILIAL; Hereditary breast cancer; hereditary breast carcinoma. Identifiers: Orphanet 227535, MedGen C0346153, MONDO:0016419, OMIM 114480. Disease mechanism: loss of function.

Submission:

Myriad Genetics, Inc.
Classification: Benign for Familial cancer of breast. Last evaluated: 2024-05-07. Review status: criteria provided, single submitter. Criteria: Myriad Autosomal Dominant, Autosomal Recessive and X-Linked Classification Criteria (2023). Collection method: clinical testing. Allele origin: unknown.
Comment: This variant is considered benign. This variant is a silent/synonymous amino acid change and it is not expected to impact splicing.

NM_000051.4(ATM):c.2217A>G (p.Glu739=)

Gene: ATM (ATM serine/threonine kinase; plus strand). Cytogenetic location: 11q22.3.
Variant type: single nucleotide variant.
Coding change: c.2217A>G on transcript NM_000051.4 (MANE Select); coding-DNA position 2217, A replaced by G.
Protein change: p.Glu739=; no amino-acid change (glutamic acid 739 retained).
Molecular consequence: synonymous variant.
Genome position (GRCh38, 1-based): chr11:108,256,307, A>G. VCF-style: chr11-108256307-A-G. GRCh37 (hg19) VCF-style: chr11-108127034-A-G.
Other names: c.2217A>G, p.Glu739= (NM_001351834.2).
Identifiers: ClinVar variation 3253988 (VCV003253988.1), dbSNP rs2135394271.